The following is an entry in ClinVar:

NM_005045.4(RELN):c.4629G>C (p.Trp1543Cys)

Gene: RELN (reelin; minus strand). Cytogenetic location: 7q22.1.
Variant type: single nucleotide variant.
Coding change: c.4629G>C on transcript NM_005045.4 (MANE Select); coding-DNA position 4629, G replaced by C.
Protein change: p.Trp1543Cys; replaces tryptophan 1543 with cysteine.
Molecular consequence: missense variant.
Genome position (GRCh38, 1-based): chr7:103,566,719, C>G on the plus strand (G>C on the coding strand, the complement: RELN is on the minus strand). VCF-style: chr7-103566719-C-G. GRCh37 (hg19) VCF-style: chr7-103207166-C-G.
Other names: c.4629G>C, p.Trp1543Cys (NM_173054.3); short protein forms W1543C.
Identifiers: ClinVar variation 4681959 (VCV004681959.5).

ClinVar aggregate classification (germline): Uncertain significance (1 of 4 stars; one submission).

Submission:

CeGaT Center for Human Genetics Tuebingen
Classification: Uncertain significance. Last evaluated: 2025-12-01. Review status: criteria provided, single submitter. Criteria: CeGaT Center For Human Genetics Tuebingen Variant Classification Criteria Version 2. Collection method: clinical testing. Allele origin: germline. Affected: yes. Observed: 1 variant allele.
Comment: RELN: PM2